The following is an entry in ClinVar:

ClinVar aggregate classification (germline): Pathogenic (1 of 4 stars; one submission).

Conditions:
Congenital adrenal hypoplasia, X-linked (AHC). Also called: ADRENAL HYPOPLASIA, CONGENITAL, WITH HYPOGONADOTROPIC HYPOGONADISM; Isolated X-Linked Adrenal Hypoplasia Congenita; X-linked AHC; X-Linked Adrenal Hypoplasia Congenita. Identifiers: Orphanet 95702, MedGen C0342482, MONDO:0010264, OMIM 300200. Disease mechanism: loss of function.

Submission:

Molecular Genetics Laboratory, Motol Hospital
Classification: Pathogenic for Congenital adrenal hypoplasia, X-linked. Last evaluated: 2025-09-26. Review status: criteria provided, single submitter. Criteria: ACMG Guidelines, 2015. Collection method: clinical testing. Allele origin: germline. Affected: yes. Observed: 1 variant allele.
Comment: The variant is not present in gnomAD (v4.1.0), dbSNP or ClinVar (PM2). Rare truncating variants affecting the NR0B1 gene are associated with X-linked recessive "congenital adrenal hypoplasia" (AHC, MIM:300200; PMID:30129976;PMID:27648561;PMID:38956756) (PVS1). The variant is located in the mutation hotspot in the exon 1 of the NR0B1 gene. To conclude, the variant is classified as pathogenic (ACMG PM2, PVS1).

Literature cited by the submitters: PubMed 30129976; PubMed 27648561; PubMed 38956756.

NM_000475.5(NR0B1):c.339del (p.Val115fs)

Gene: NR0B1 (nuclear receptor subfamily 0 group B member 1; minus strand). Cytogenetic location: Xp21.2.
Variant type: Deletion.
Coding change: c.339del on transcript NM_000475.5 (MANE Select); coding-DNA position 339, one base deleted (C; older notation c.339delC).
Protein change: p.Val115fs; shifts the reading frame from valine 115.
Molecular consequence: frameshift variant.
Genome position (GRCh38, 1-based): chrX:30,309,025, G deleted on the plus strand (C on the coding strand, the reverse complement: NR0B1 is on the minus strand); the first of 3 consecutive G bases (chrX:30,309,025-30,309,027); deleting any one gives the same sequence. VCF-style (leftmost placement, unchanged base first): chrX-30309024-CG-C. GRCh37 (hg19) VCF-style: chrX-30327141-CG-C.
Other names: short protein forms V115fs.
Identifiers: ClinVar variation 4087714 (VCV004087714.1).
Genomic context (GRCh38, chrX:30,309,024, plus strand): 5'-AGCAGCAGCGGTACAGGAGTGCCACGGGCCGCCCACCCGGAAGCCCCGCTCTGCCCACCC[CG>C]GGATCAGAGCCGCACGAACAGCCCCAGCACGGACCCAGCGTCGCCTCGGGCGCCTTCGGT-3'